The following is an entry in ClinVar:

ClinVar aggregate classification (germline): Uncertain significance (1 of 4 stars; one submission).

Allele frequency attached by ClinVar (database versions not stated): gnomAD 0.00001 and 0.00003; gnomAD exomes 0.00010; ExAC 0.00028.
gnomAD v4.1: 29 of 1,489,420 alleles (0.0019%); highest among the groups gnomAD compares: South Asian, 0.033%; 1 homozygote.

Submission:

GeneDx
Classification: Uncertain significance. Last evaluated: 2022-01-19. Review status: criteria provided, single submitter. Criteria: GeneDx Variant Classification Process June 2021. Collection method: clinical testing. Allele origin: germline. Affected: yes.
Comment: In silico analysis supports that this missense variant does not alter protein structure/function; Has not been previously published as pathogenic or benign to our knowledge

NM_213595.4(ISCU):c.92C>T (p.Pro31Leu)

Genes: ISCU (iron-sulfur cluster assembly enzyme; plus strand), LOC130008688 (ATAC-STARR-seq lymphoblastoid silent region 4828; plus strand). Cytogenetic location: 12q23.3.
Variant type: single nucleotide variant.
Coding change: c.92C>T on transcript NM_213595.4 (MANE Select); coding-DNA position 92, C replaced by T.
Protein change: p.Pro31Leu; replaces proline 31 with leucine.
Molecular consequence: missense variant. On other transcripts: 5 prime UTR variant (1), non-coding transcript variant (1).
Genome position (GRCh38, 1-based): chr12:108,562,714, C>T. VCF-style: chr12-108562714-C-T. GRCh37 (hg19) VCF-style: chr12-108956490-C-T.
Other names: c.92C>T, p.Pro31Leu (NM_001301140.1, NM_001301141.1, NM_001320042.1); c.-80C>T (NM_014301.4); short protein forms P31L.
Identifiers: ClinVar variation 1698249 (VCV001698249.2), dbSNP rs376643383, ClinGen allele CA6768719.